The following is an entry in ClinVar:

ClinVar aggregate classification (germline): Uncertain significance (1 of 4 stars; one submission).

gnomAD v4.1: 3 of 1,613,170 alleles (0.00019%); highest among the groups gnomAD compares: Non-Finnish European, 0.00025%; no homozygotes.

Submission:

CeGaT Center for Human Genetics Tuebingen
Classification: Uncertain significance. Last evaluated: 2025-04-01. Review status: criteria provided, single submitter. Criteria: CeGaT Center For Human Genetics Tuebingen Variant Classification Criteria Version 2. Collection method: clinical testing. Allele origin: germline. Affected: yes. Observed: 1 variant allele.
Comment: WASHC5: PM2

NM_014846.4(WASHC5):c.464A>G (p.Gln155Arg)

Gene: WASHC5 (WASH complex subunit 5; minus strand). Cytogenetic location: 8q24.13.
Variant type: single nucleotide variant.
Coding change: c.464A>G on transcript NM_014846.4 (MANE Select); coding-DNA position 464, A replaced by G.
Protein change: p.Gln155Arg; replaces glutamine 155 with arginine.
Molecular consequence: missense variant.
Genome position (GRCh38, 1-based): chr8:125,081,715, T>C on the plus strand (A>G on the coding strand, the complement: WASHC5 is on the minus strand). VCF-style: chr8-125081715-T-C. GRCh37 (hg19) VCF-style: chr8-126093957-T-C.
Other names: c.20A>G, p.Gln7Arg (NM_001330609.2); short protein forms Q155R, Q7R.
Identifiers: ClinVar variation 3898679 (VCV003898679.7).